The following is an entry in ClinVar:

ClinVar aggregate classification (germline): Likely benign (1 of 4 stars; one submission).

gnomAD v4.1: 42 of 1,612,748 alleles (0.0026%); highest among the groups gnomAD compares: East Asian, 0.0067%; no homozygotes.

Submission:

CeGaT Center for Human Genetics Tuebingen
Classification: Likely benign. Last evaluated: 2025-02-01. Review status: criteria provided, single submitter. Criteria: CeGaT Center For Human Genetics Tuebingen Variant Classification Criteria Version 2. Collection method: clinical testing. Allele origin: germline. Affected: yes. Observed: 2 variant alleles.
Comment: GPR17: BP4, BP7

NM_001161417.2(GPR17):c.768C>T (p.Ser256=)

Genes: GPR17 (G protein-coupled receptor 17; plus strand), LIMS2 (LIM zinc finger domain containing 2; minus strand). Cytogenetic location: 2q14.3.
Variant type: single nucleotide variant.
Coding change: c.768C>T on transcript NM_001161417.2 (MANE Select); coding-DNA position 768, C replaced by T.
Protein change: p.Ser256=; no amino-acid change (serine 256 retained).
Molecular consequence: synonymous variant. On other transcripts: intron variant (4).
Genome position (GRCh38, 1-based): chr2:127,651,503, C>T. VCF-style: chr2-127651503-C-T. GRCh37 (hg19) VCF-style: chr2-128409077-C-T.
Other names: c.852C>T, p.Ser284= (NM_001161415.2, NM_005291.3); c.768C>T, p.Ser256= (NM_001161416.2); c.344+2921G>A (NM_001161404.2); c.359+2921G>A (NM_001161403.3); c.425+2921G>A (NM_001136037.4); c.431+2921G>A (NM_017980.5).
Identifiers: ClinVar variation 3388631 (VCV003388631.14).